The following is an entry in ClinVar:

ClinVar aggregate classification (germline): Uncertain significance. Review status: criteria provided, multiple submitters, no conflicts (2 of 4 stars). 2 submissions from 2 submitters: Uncertain significance (2). Last evaluated 2025-11-04.

Allele frequency attached by ClinVar (database versions not stated): ExAC 0.00002; gnomAD 0.00004 and 0.00003; TOPMed 0.00006; gnomAD exomes 0.00008 and 0.00002; ESP Exome Variant Server 0.00008.
gnomAD v4.1: 125 of 1,613,788 alleles (0.0077%); highest among the groups gnomAD compares: Non-Finnish European, 0.0099%; no homozygotes.

Submissions (2):

GeneDx
Classification: Uncertain significance. Last evaluated: 2025-11-04. Review status: criteria provided, single submitter. Criteria: GeneDx Variant Classification Process June 2021. Collection method: clinical testing. Allele origin: germline. Affected: yes.
Comment: In silico analysis supports that this missense variant has a deleterious effect on protein structure/function; Has not been previously published as pathogenic or benign to our knowledge

Labcorp Genetics (formerly Invitae), Labcorp
Classification: Uncertain significance. Last evaluated: 2024-11-11. Review status: criteria provided, single submitter. Criteria: Invitae Variant Classification Sherloc (09022015). Collection method: clinical testing. Allele origin: germline.
Comment: This sequence change replaces serine, which is neutral and polar, with cysteine, which is neutral and slightly polar, at codon 641 of the DMXL2 protein (p.Ser641Cys). This variant is present in population databases (rs113890461, gnomAD 0.01%). This variant has not been reported in the literature in individuals affected with DMXL2-related conditions. ClinVar contains an entry for this variant (Variation ID: 1311992). An algorithm developed to predict the effect of missense changes on protein structure and function (PolyPhen-2) suggests that this variant is likely to be disruptive. In summary, the available evidence is currently insufficient to determine the role of this variant in disease. Therefore, it has been classified as a Variant of Uncertain Significance.

NM_001378457.1(DMXL2):c.1922C>G (p.Ser641Cys)

Gene: DMXL2 (Dmx like 2; minus strand). Cytogenetic location: 15q21.2.
Variant type: single nucleotide variant.
Coding change: c.1922C>G on transcript NM_001378457.1 (MANE Select); coding-DNA position 1922, C replaced by G.
Protein change: p.Ser641Cys; replaces serine 641 with cysteine.
Molecular consequence: missense variant. On other transcripts: non-coding transcript variant (2).
Genome position (GRCh38, 1-based): chr15:51,536,558, G>C on the plus strand (C>G on the coding strand, the complement: DMXL2 is on the minus strand). VCF-style: chr15-51536558-G-C. GRCh37 (hg19) VCF-style: chr15-51828755-G-C.
Other names: c.1922C>G, p.Ser641Cys (NM_001174116.3, NM_001174117.3, NM_001378458.1 and 6 more transcripts); c.1682C>G, p.Ser561Cys (NM_001378464.1); short protein forms S561C, S641C.
Identifiers: ClinVar variation 1311992 (VCV001311992.5), dbSNP rs113890461, ClinGen allele CA7562485.